The following is an entry in ClinVar:

NM_004360.5(CDH1):c.73C>T (p.Pro25Ser)

Gene: CDH1 (cadherin 1; plus strand). Cytogenetic location: 16q22.1.
Variant type: single nucleotide variant.
Coding change: c.73C>T on transcript NM_004360.5 (MANE Select); coding-DNA position 73, C replaced by T.
Protein change: p.Pro25Ser; replaces proline 25 with serine.
Molecular consequence: missense variant. On other transcripts: 5 prime UTR variant (2).
Genome position (GRCh38, 1-based): chr16:68,738,321, C>T. VCF-style: chr16-68738321-C-T. GRCh37 (hg19) VCF-style: chr16-68772224-C-T.
Other names: c.73C>T, p.Pro25Ser (NM_001317184.2); c.-1543C>T (NM_001317185.2); c.-1747C>T (NM_001317186.2); short protein forms P25S.
Identifiers: ClinVar variation 5033932 (VCV005033932.1).

ClinVar aggregate classification (germline): Uncertain significance (1 of 4 stars; one submission).

Conditions:
Hereditary cancer-predisposing syndrome. Also called: Neoplastic Syndromes, Hereditary; Tumor predisposition; Hereditary neoplastic syndrome; Hereditary Cancer Syndrome. Identifiers: Orphanet 140162, MedGen C0027672, MeSH D009386, MONDO:0015356.

gnomAD v4.1: 1 of 1,551,094 alleles (0.000064%); highest among the groups gnomAD compares: Non-Finnish European, 0.000087%; no homozygotes.

Submission:

Ambry Genetics
Classification: Uncertain significance for Hereditary cancer-predisposing syndrome. Last evaluated: 2026-07-06. Review status: criteria provided, single submitter. Criteria: Ambry Variant Classification Scheme 2023. Collection method: clinical testing. Allele origin: germline.
Comment: The p.P25S variant (also known as c.73C>T), located in coding exon 2 of the CDH1 gene, results from a C to T substitution at nucleotide position 73. The proline at codon 25 is replaced by serine, an amino acid with similar properties. This amino acid position is conserved. In addition, this alteration is predicted to be tolerated by in silico analysis. Based on the available evidence, the clinical significance of this variant remains unclear.